The following is an entry in ClinVar:

NM_004586.3(RPS6KA3):c.1965G>A (p.Leu655=)

Gene: RPS6KA3 (ribosomal protein S6 kinase A3; minus strand). Cytogenetic location: Xp22.12.
Variant type: single nucleotide variant.
Coding change: c.1965G>A on transcript NM_004586.3 (MANE Select); coding-DNA position 1965, G replaced by A.
Protein change: p.Leu655=; no amino-acid change (leucine 655 retained).
Molecular consequence: synonymous variant.
Genome position (GRCh38, 1-based): chrX:20,156,244, C>T on the plus strand (G>A on the coding strand, the complement: RPS6KA3 is on the minus strand). VCF-style: chrX-20156244-C-T. GRCh37 (hg19) VCF-style: chrX-20174362-C-T.
Identifiers: ClinVar variation 3355646 (VCV003355646.1).

ClinVar aggregate classification (germline): Likely benign (0 of 4 stars; one submission).

Conditions:
RPS6KA3-related disorder. Also called: RPS6KA3-related condition.

gnomAD v4.1: 1 of 1,209,970 alleles (0.000083%); highest among the groups gnomAD compares: Non-Finnish European, 0.00011%; no homozygotes.

Submission:

PreventionGenetics, part of Exact Sciences
Classification: Likely benign for RPS6KA3-related condition. Last evaluated: 2021-12-16. Review status: no assertion criteria provided. Collection method: clinical testing. Allele origin: germline.
Comment: This variant is classified as likely benign based on ACMG/AMP sequence variant interpretation guidelines (Richards et al. 2015 PMID: 25741868, with internal and published modifications).